The following is an entry in ClinVar:

NM_006946.4(SPTBN2):c.4251C>T (p.Ser1417=)

Gene: SPTBN2 (spectrin beta, non-erythrocytic 2; minus strand). Cytogenetic location: 11q13.2.
Variant type: single nucleotide variant.
Coding change: c.4251C>T on transcript NM_006946.4 (MANE Select); coding-DNA position 4251, C replaced by T.
Protein change: p.Ser1417=; no amino-acid change (serine 1417 retained).
Molecular consequence: synonymous variant.
Genome position (GRCh38, 1-based): chr11:66,696,304, G>A on the plus strand (C>T on the coding strand, the complement: SPTBN2 is on the minus strand). VCF-style: chr11-66696304-G-A. GRCh37 (hg19) VCF-style: chr11-66463775-G-A.
Other names: c.4272C>T, p.Ser1424= (NM_001411025.1).
Identifiers: ClinVar variation 3026838 (VCV003026838.22), dbSNP rs747876209, ClinGen allele CA6128641.

ClinVar aggregate classification (germline): Likely benign (1 of 4 stars; one submission).

Allele frequency attached by ClinVar (database versions not stated): TOPMed 0.00001; ExAC 0.00002; gnomAD exomes 0.00002.
gnomAD v4.1: 23 of 1,612,726 alleles (0.0014%); highest among the groups gnomAD compares: South Asian, 0.0055%; no homozygotes.

Submission:

CeGaT Center for Human Genetics Tuebingen
Classification: Likely benign. Last evaluated: 2026-02-01. Review status: criteria provided, single submitter. Criteria: CeGaT Center For Human Genetics Tuebingen Variant Classification Criteria Version 2. Collection method: clinical testing. Allele origin: germline. Affected: yes. Observed: 2 variant alleles.
Comment: SPTBN2: BP4, BP7